The following is an entry in ClinVar:

NM_000260.4(MYO7A):c.2582del (p.Ala861fs)

Gene: MYO7A (myosin VIIA; plus strand). Cytogenetic location: 11q13.5.
Variant type: Deletion.
Coding change: c.2582del on transcript NM_000260.4 (MANE Select); coding-DNA position 2582, one base deleted (C; older notation c.2582delC).
Protein change: p.Ala861fs; shifts the reading frame from alanine 861.
Molecular consequence: frameshift variant.
Genome position (GRCh38, 1-based): chr11:77,179,949, C deleted. VCF-style (leftmost placement, unchanged base first): chr11-77179948-GC-G. GRCh37 (hg19) VCF-style: chr11-76890994-GC-G.
Other names: c.2582del, p.Ala861fs (NM_001127180.2); c.2549del, p.Ala850fs (NM_001369365.1); short protein forms A861fs, A850fs.
Identifiers: ClinVar variation 2830113 (VCV002830113.3), dbSNP rs2497178979, ClinGen allele CA2615251713.

ClinVar aggregate classification (germline): Pathogenic (1 of 4 stars; one submission).

Allele frequency attached by ClinVar (database versions not stated): gnomAD exomes below 0.00001.

Submission:

Labcorp Genetics (formerly Invitae), Labcorp
Classification: Pathogenic. Last evaluated: 2023-01-19. Review status: criteria provided, single submitter. Criteria: Invitae Variant Classification Sherloc (09022015). Collection method: clinical testing. Allele origin: germline.
Comment: For these reasons, this variant has been classified as Pathogenic. Algorithms developed to predict the effect of sequence changes on RNA splicing suggest that this variant may create or strengthen a splice site. This variant has not been reported in the literature in individuals affected with MYO7A-related conditions. This variant is not present in population databases (gnomAD no frequency). This sequence change creates a premature translational stop signal (p.Ala861Valfs*24) in the MYO7A gene. It is expected to result in an absent or disrupted protein product. Loss-of-function variants in MYO7A are known to be pathogenic (PMID: 8900236, 25404053).

Literature cited by the submitters: PubMed 8900236; PubMed 25404053.